The following is an entry in ClinVar:

NM_005431.2(XRCC2):c.640C>T (p.Arg214Ter)

Gene: XRCC2 (X-ray repair cross complementing 2; minus strand). Cytogenetic location: 7q36.1.
Variant type: single nucleotide variant.
Coding change: c.640C>T on transcript NM_005431.2 (MANE Select); coding-DNA position 640, C replaced by T.
Protein change: p.Arg214Ter; replaces arginine 214 with a stop codon.
Molecular consequence: nonsense.
Genome position (GRCh38, 1-based): chr7:152,648,845, G>A on the plus strand (C>T on the coding strand, the complement: XRCC2 is on the minus strand). VCF-style: chr7-152648845-G-A. GRCh37 (hg19) VCF-style: chr7-152345930-G-A.
Other names: short protein forms R214*.
Identifiers: ClinVar variation 488979 (VCV000488979.4), dbSNP rs1200646566, ClinGen allele CA370198264.
Genomic context (GRCh38, chr7:152,648,845, plus strand): 5'-GTTGCTGCCATGCCTTACAGAGATAAGGTCTGTAGTCTATGTCCACATCACACAGTCGTC[G>A]AGAGGCATGAGAAGGTTCTTCTGATGAGCTCGAGGCTTTCTGCATTATAGTTTGTGTCGT-3'

ClinVar aggregate classification (germline): Uncertain significance. Review status: criteria provided, multiple submitters, no conflicts (2 of 4 stars). 2 submissions from 2 submitters: Uncertain significance (2). Last evaluated 2024-09-17.

Allele frequency attached by ClinVar (database versions not stated): TOPMed below 0.00001; gnomAD 0.00001; gnomAD exomes 0.00001.
gnomAD v4.1: 8 of 1,613,688 alleles (0.0005%); highest among the groups gnomAD compares: African/African-American, 0.0013%; no homozygotes.

Submissions (2):

Labcorp Genetics (formerly Invitae), Labcorp
Classification: Uncertain significance. Last evaluated: 2024-09-17. Review status: criteria provided, single submitter. Criteria: Invitae Variant Classification Sherloc (09022015). Collection method: clinical testing. Allele origin: germline.
Comment: This sequence change creates a premature translational stop signal (p.Arg214*) in the XRCC2 gene. While this is not anticipated to result in nonsense mediated decay, it is expected to disrupt the last 67 amino acid(s) of the XRCC2 protein. This variant is not present in population databases (gnomAD no frequency). This variant has not been reported in the literature in individuals affected with XRCC2-related conditions. ClinVar contains an entry for this variant (Variation ID: 488979). In summary, the available evidence is currently insufficient to determine the role of this variant in disease. Therefore, it has been classified as a Variant of Uncertain Significance.

GeneDx
Classification: Uncertain significance. Last evaluated: 2017-04-21. Review status: criteria provided, single submitter. Criteria: GeneDx Variant Classification (06012015). Collection method: clinical testing. Allele origin: germline. Affected: yes.
Comment: This variant is denoted XRCC2 c.640C>T at the cDNA level and p.Arg214Ter (R214X) at the protein level. The substitution creates a nonsense variant, which changes an Arginine to a premature stop codon (CGA>TGA). This variant has not, to our knowledge, been reported in the literature. Due to the position of the variant, nonsense mediated decay is not expected to occur, but it might cause loss of normal protein function through protein truncation. The disrupted region at the end of the gene is not conserved and is not within any known functional domain. XRCC2 Arg214Ter was not observed in large population cohorts (NHLBI Exome Sequencing Project, The 1000 Genomes Consortium 2015, Lek 2016). Based on currently available information, we consider XRCC2 Arg214Ter to be a variant of uncertain significance.